The following is an entry in ClinVar:

ClinVar aggregate classification (germline): Uncertain significance (1 of 4 stars; one submission).

Submission:

Ambry Genetics
Classification: Uncertain significance. Last evaluated: 2025-12-31. Review status: criteria provided, single submitter. Criteria: Ambry Variant Classification Scheme 2023. Collection method: clinical testing. Allele origin: germline.
Comment: The c.5404C>A (p.H1802N) alteration is located in exon 2 (coding exon 1) of the XIRP1 gene. This alteration results from a C to A substitution at nucleotide position 5404, causing the histidine (H) at amino acid position 1802 to be replaced by an asparagine (N). Based on data from gnomAD, the A allele has an overall frequency of 0.001% (2/281216) total alleles studied. The highest observed frequency was 0.008% (2/24958) of African alleles. Based on insufficient or conflicting evidence, the clinical significance of this alteration remains unclear.

NM_194293.4(XIRP1):c.5404C>A (p.His1802Asn)

Gene: XIRP1 (xin actin binding repeat containing 1; minus strand). Cytogenetic location: 3p22.2.
Variant type: single nucleotide variant.
Coding change: c.5404C>A on transcript NM_194293.4 (MANE Select); coding-DNA position 5404, C replaced by A.
Protein change: p.His1802Asn; replaces histidine 1802 with asparagine.
Molecular consequence: missense variant. On other transcripts: 3 prime UTR variant (1).
Genome position (GRCh38, 1-based): chr3:39,184,042, G>T on the plus strand (C>A on the coding strand, the complement: XIRP1 is on the minus strand). VCF-style: chr3-39184042-G-T. GRCh37 (hg19) VCF-style: chr3-39225533-G-T.
Other names: c.*1611C>A (NM_001198621.4); c.1453C>A, p.His485Asn (NM_001351377.2); short protein forms H485N, H1802N.
Identifiers: ClinVar variation 4838953 (VCV004838953.1).